The following is an entry in ClinVar:

ClinVar aggregate classification (germline): Uncertain significance (1 of 4 stars; one submission).

Submission:

Labcorp Genetics (formerly Invitae), Labcorp
Classification: Uncertain significance. Last evaluated: 2025-11-08. Review status: criteria provided, single submitter. Criteria: Invitae Variant Classification Sherloc (09022015). Collection method: clinical testing. Allele origin: germline.
Comment: This sequence change replaces aspartic acid, which is acidic and polar, with alanine, which is neutral and non-polar, at codon 1008 of the REST protein (p.Asp1008Ala). This variant is not present in population databases (gnomAD no frequency). This variant has not been reported in the literature in individuals affected with REST-related conditions. An algorithm developed to predict the effect of missense changes on protein structure and function (PolyPhen-2) suggests that this variant is likely to be disruptive. In summary, the available evidence is currently insufficient to determine the role of this variant in disease. Therefore, it has been classified as a Variant of Uncertain Significance.

NM_005612.5(REST):c.3023A>C (p.Asp1008Ala)

Gene: REST (RE1 silencing transcription factor; plus strand). Cytogenetic location: 4q12.
Variant type: single nucleotide variant.
Coding change: c.3023A>C on transcript NM_005612.5 (MANE Select); coding-DNA position 3023, A replaced by C.
Protein change: p.Asp1008Ala; replaces aspartic acid 1008 with alanine.
Molecular consequence: missense variant.
Genome position (GRCh38, 1-based): chr4:56,931,881, A>C. VCF-style: chr4-56931881-A-C. GRCh37 (hg19) VCF-style: chr4-57798047-A-C.
Other names: c.3023A>C, p.Asp1008Ala (NM_001193508.2, NM_001363453.3); c.2939A>C, p.Asp980Ala (NM_001440532.1, NM_001440533.1); short protein forms D1008A, D980A.
Identifiers: ClinVar variation 4730425 (VCV004730425.1).
Genomic context (GRCh38, chr4:56,931,881, plus strand): 5'-CTGCACTGGCATCACCTCCTGCTACAATGGCAGCAAATGAGTCTCAGGAAATTGATGAAG[A>C]TGAAGGCATCCACAGCCATGAAGGAAGTGACCTAAGTGACAACATGTCAGAGGGTAGTGA-3'
Protein context (NP_005603.3, residues 998-1018): AANESQEIDE[Asp1008Ala]EGIHSHEGSD